The following is an entry in ClinVar:

ClinVar aggregate classification (germline): Uncertain significance. Review status: criteria provided, single submitter (1 of 4 stars). 2 submissions from 2 submitters: Uncertain significance (1). 1 of the submissions does not count toward it. Last evaluated 2024-02-21.

Conditions:
SDCCAG8-related disorder. Also called: SDCCAG8-related condition; SDCCAG8-Related Disorders.
Inborn genetic diseases. Identifiers: MedGen C0950123, MeSH D030342.

Allele frequency attached by ClinVar (database versions not stated): gnomAD 0.00001.
gnomAD v4.1: 23 of 1,614,020 alleles (0.0014%); highest among the groups gnomAD compares: Non-Finnish European, 0.0019%; no homozygotes.

Submissions (2):

Ambry Genetics
Classification: Uncertain significance for Inborn genetic diseases. Last evaluated: 2024-02-21. Review status: criteria provided, single submitter. Criteria: Ambry Variant Classification Scheme 2023. Collection method: clinical testing. Allele origin: germline.

PreventionGenetics, part of Exact Sciences
Classification: Uncertain significance for SDCCAG8-related condition. Last evaluated: 2024-01-15. Review status: no assertion criteria provided. Collection method: clinical testing. Allele origin: germline. Not counted in ClinVar's aggregate classification.
Comment: The SDCCAG8 c.190G>A variant is predicted to result in the amino acid substitution p.Ala64Thr. To our knowledge, this variant has not been reported in the literature. This variant is reported in 0.0065% of alleles in individuals of European (Non-Finnish) descent in gnomAD. At this time, the clinical significance of this variant is uncertain due to the absence of conclusive functional and genetic evidence.

NM_006642.5(SDCCAG8):c.190G>A (p.Ala64Thr)

Gene: SDCCAG8 (SHH signaling and ciliogenesis regulator SDCCAG8; plus strand). Cytogenetic location: 1q43.
Variant type: single nucleotide variant.
Coding change: c.190G>A on transcript NM_006642.5 (MANE Select); coding-DNA position 190, G replaced by A.
Protein change: p.Ala64Thr; replaces alanine 64 with threonine.
Molecular consequence: missense variant. On other transcripts: 5 prime UTR variant (4).
Genome position (GRCh38, 1-based): chr1:243,270,227, G>A. VCF-style: chr1-243270227-G-A. GRCh37 (hg19) VCF-style: chr1-243433529-G-A.
Other names: c.-923G>A (NM_001350246.2); c.-811G>A (NM_001350247.2); c.190G>A, p.Ala64Thr (NM_001350248.2); c.-105G>A (NM_001350249.2); c.-1184G>A (NM_001350251.2); short protein forms A64T.
Identifiers: ClinVar variation 2634964 (VCV002634964.4), dbSNP rs1171124979, ClinGen allele CA345474279.